The following is an entry in ClinVar:

NM_176787.5(PIGN):c.2126G>A (p.Arg709Gln)

Gene: PIGN (phosphatidylinositol glycan anchor biosynthesis class N; minus strand). Cytogenetic location: 18q21.33.
Variant type: single nucleotide variant.
Coding change: c.2126G>A on transcript NM_176787.5 (MANE Select); coding-DNA position 2126, G replaced by A.
Protein change: p.Arg709Gln; replaces arginine 709 with glutamine.
Molecular consequence: missense variant.
Genome position (GRCh38, 1-based): chr18:62,095,902, C>T on the plus strand (G>A on the coding strand, the complement: PIGN is on the minus strand). VCF-style: chr18-62095902-C-T. GRCh37 (hg19) VCF-style: chr18-59763135-C-T.
Other names: c.2126G>A, p.Arg709Gln (NM_012327.6); short protein forms R709Q.
Identifiers: ClinVar variation 30549 (VCV000030549.10), dbSNP rs397514475, ClinGen allele CA129326.
Genomic context (GRCh38, chr18:62,095,902, plus strand): 5'-TTATACCCTGTGCTTAGAAGTAGGTAGGTTGACATCAATGAAAGAAGTATGCTGAACAAT[C>T]GCTGAAAGAGAACTGGAGAACTCAGTAGTGGCACAACCAAGGAAGAGGCTGCAATGAAAC-3'
Protein context (NP_789744.1, residues 699-719): PLLSSPVLFQ[Arg709Gln]LFSILLSLMS

ClinVar aggregate classification (germline): Pathogenic. Review status: criteria provided, multiple submitters, no conflicts (2 of 4 stars). 4 submissions from 4 submitters: Pathogenic (3). 1 of the submissions does not count toward it. Last evaluated 2025-07-31.

Conditions:
Multiple congenital anomalies-hypotonia-seizures syndrome 1 (MCAHS1). Also called: PIGN-CDG; Congenital disorder of glycosylation due to PIGN deficiency; GLYCOSYLPHOSPHATIDYLINOSITOL BIOSYNTHESIS DEFECT 3. Identifiers: Orphanet 280633, MedGen C3279775, MONDO:0013563, OMIM 614080.

Allele frequency attached by ClinVar (database versions not stated): gnomAD exomes below 0.00001; gnomAD 0.00001; TOPMed 0.00002.
gnomAD v4.1: 10 of 1,613,092 alleles (0.00062%); highest among the groups gnomAD compares: Middle Eastern, 0.016%; no homozygotes.

Submissions (4):

Labcorp Genetics (formerly Invitae), Labcorp
Classification: Pathogenic for Multiple congenital anomalies-hypotonia-seizures syndrome 1. Last evaluated: 2025-07-31. Review status: criteria provided, single submitter. Criteria: Invitae Variant Classification Sherloc (09022015). Collection method: clinical testing. Allele origin: germline.
Comment: This sequence change replaces arginine, which is basic and polar, with glutamine, which is neutral and polar, at codon 709 of the PIGN protein (p.Arg709Gln). This variant is present in population databases (rs397514475, gnomAD 0.01%). This missense change has been observed in individual(s) with multiple congenital anomalies-hypotonia-seizures syndrome (PMID: 21493957). It has also been observed to segregate with disease in related individuals. ClinVar contains an entry for this variant (Variation ID: 30549). Invitae Evidence Modeling of protein sequence and biophysical properties (such as structural, functional, and spatial information, amino acid conservation, physicochemical variation, residue mobility, and thermodynamic stability) indicates that this missense variant is expected to disrupt PIGN protein function with a positive predictive value of 80%. For these reasons, this variant has been classified as Pathogenic.

Women's Health and Genetics/Laboratory Corporation of America, LabCorp
Classification: Pathogenic for Multiple congenital anomalies-hypotonia-seizures syndrome 1. Last evaluated: 2024-08-26. Review status: criteria provided, single submitter. Criteria: LabCorp Variant Classification Summary - May 2015. Collection method: clinical testing. Allele origin: germline.
Comment: Variant summary: PIGN c.2126G>A (p.Arg709Gln) results in a conservative amino acid change in the encoded protein sequence. Four of five in-silico tools predict a damaging effect of the variant on protein function. The variant allele was found at a frequency of 4e-06 in 248494 control chromosomes. c.2126G>A has been reported in the literature in multiple homozygous individuals affected with Multiple Congenital Anomalies-Hypotonia Syndrome 1 (e.g. Maydan_2011). These data indicate that the variant is very likely to be associated with disease. The following publication has been ascertained in the context of this evaluation (PMID: 21493957). ClinVar contains an entry for this variant (Variation ID: 30549). Based on the evidence outlined above, the variant was classified as pathogenic.

Equipe Genetique des Anomalies du Developpement, Université de Bourgogne
Classification: Pathogenic for Multiple congenital anomalies-hypotonia-seizures syndrome 1. Review status: criteria provided, single submitter. Criteria: ACMG Guidelines, 2015. Collection method: clinical testing. Allele origin: maternal. Inheritance: Autosomal recessive inheritance. Affected: yes.

OMIM
Classification: Pathogenic for MULTIPLE CONGENITAL ANOMALIES-HYPOTONIA-SEIZURES SYNDROME 1. Last evaluated: 2011-06-01. Review status: no assertion criteria provided. Collection method: literature only. Allele origin: germline. Not counted in ClinVar's aggregate classification.

Literature cited by the submitters: PubMed 21493957 (cited by 3 submitters); PubMed 34782754 (cited by Equipe Genetique des Anomalies du Developpement, Université de Bourgogne).